The following is an entry in ClinVar:

ClinVar aggregate classification (germline): Uncertain significance (1 of 4 stars; one submission).

Submission:

GeneDx
Classification: Uncertain significance. Last evaluated: 2023-04-16. Review status: criteria provided, single submitter. Criteria: GeneDx Variant Classification Process June 2021. Collection method: clinical testing. Allele origin: germline. Affected: yes.
Comment: Not observed at significant frequency in large population cohorts (gnomAD); In silico analysis supports that this missense variant has a deleterious effect on protein structure/function; Has not been previously published as pathogenic or benign to our knowledge

NM_001172509.2(SATB2):c.101T>A (p.Leu34Gln)

Gene: SATB2 (SATB homeobox 2; minus strand). Cytogenetic location: 2q33.1.
Variant type: single nucleotide variant.
Coding change: c.101T>A on transcript NM_001172509.2 (MANE Select); coding-DNA position 101, T replaced by A.
Protein change: p.Leu34Gln; replaces leucine 34 with glutamine.
Molecular consequence: missense variant. On other transcripts: non-coding transcript variant (1).
Genome position (GRCh38, 1-based): chr2:199,455,937, A>T on the plus strand (T>A on the coding strand, the complement: SATB2 is on the minus strand). VCF-style: chr2-199455937-A-T. GRCh37 (hg19) VCF-style: chr2-200320660-A-T.
Other names: c.101T>A, p.Leu34Gln (NM_001172517.1, NM_015265.4); short protein forms L34Q.
Identifiers: ClinVar variation 2663580 (VCV002663580.1), dbSNP rs2469069751, ClinGen allele CA350388487.